The following is an entry in ClinVar:

NM_015102.5(NPHP4):c.2129G>A (p.Gly710Asp)

Gene: NPHP4 (nephrocystin 4; minus strand). Cytogenetic location: 1p36.31.
Variant type: single nucleotide variant.
Coding change: c.2129G>A on transcript NM_015102.5 (MANE Select); coding-DNA position 2129, G replaced by A.
Protein change: p.Gly710Asp; replaces glycine 710 with aspartic acid.
Molecular consequence: missense variant. On other transcripts: non-coding transcript variant (1).
Genome position (GRCh38, 1-based): chr1:5,904,631, C>T on the plus strand (G>A on the coding strand, the complement: NPHP4 is on the minus strand). VCF-style: chr1-5904631-C-T. GRCh37 (hg19) VCF-style: chr1-5964691-C-T.
Other names: c.590G>A, p.Gly197Asp (NM_001291593.2); c.593G>A, p.Gly198Asp (NM_001291594.2); c.2129G>A (NM_015102.4); short protein forms G197D, G198D, G710D.
Identifiers: ClinVar variation 1051354 (VCV001051354.12), dbSNP rs563684894, ClinGen allele CA554267.
Genomic context (GRCh38, chr1:5,904,631, plus strand): 5'-ACTCAGTACAGAATGTCTTGCCTTTGCCATGCACATGAGTACTCACCAGCATCAAAGGTG[C>T]CATCTCTGCTCACAGGCACGAGGATGTGGGTCAGGGCGCCAGAGCTGGGCTGGCCGGCCT-3'
Protein context (NP_055917.1, residues 700-720): THILVPVSRD[Gly710Asp]TFDAGSPGFQ

ClinVar aggregate classification (germline): Conflicting classifications of pathogenicity. Review status: criteria provided, conflicting classifications (1 of 4 stars). 4 submissions from 4 submitters: Uncertain significance (3); Likely benign (1). Last evaluated 2026-07-08.

Conditions:
Senior-Loken syndrome 4 (SLSN4). Identifiers: Orphanet 3156, MedGen C1846979, MONDO:0011756, OMIM 606996.
Nephronophthisis 4 (NPHP4). Also called: NEPHRONOPHTHISIS 4, JUVENILE. Identifiers: Orphanet 655, MedGen C1847013, MONDO:0011752, OMIM 606966.
NPHP4-related disorder. Also called: NPHP4-related disorders; NPHP4-related condition. Identifiers: MedGen CN239384.
Nephronophthisis. Also called: Juvenile Nephronophthisis. Identifiers: Orphanet 655, MedGen C0687120, MONDO:0019005, HP:0000090.

Allele frequency attached by ClinVar (database versions not stated): TOPMed below 0.00001; gnomAD 0.00004; gnomAD exomes 0.00010 and 0.00019; 1000 Genomes Project 30x 0.00016; 1000 Genomes Project 0.00020; ExAC 0.00021.

Submissions (4):

PreventionGenetics, part of Exact Sciences
Classification: Likely benign for NPHP4-related condition. Last evaluated: 2026-07-08. Review status: criteria provided, single submitter. Criteria: ACMG Guidelines, 2015. Collection method: clinical testing. Allele origin: germline.
Comment: This variant is classified as likely benign based on ACMG/AMP sequence variant interpretation guidelines (Richards et al. 2015 PMID: 25741868, with internal and published modifications).

Blueprint Genetics
Classification: Uncertain significance. Last evaluated: 2024-10-16. Review status: criteria provided, single submitter. Criteria: ACMG Guidelines, 2015. Collection method: clinical testing. Allele origin: germline.

Labcorp Genetics (formerly Invitae), Labcorp
Classification: Uncertain significance for Nephronophthisis. Last evaluated: 2024-10-15. Review status: criteria provided, single submitter. Criteria: Invitae Variant Classification Sherloc (09022015). Collection method: clinical testing. Allele origin: germline.
Comment: This sequence change replaces glycine, which is neutral and non-polar, with aspartic acid, which is acidic and polar, at codon 710 of the NPHP4 protein (p.Gly710Asp). This variant is present in population databases (rs563684894, gnomAD 0.2%). This variant has not been reported in the literature in individuals affected with NPHP4-related conditions. ClinVar contains an entry for this variant (Variation ID: 1051354). Invitae Evidence Modeling of protein sequence and biophysical properties (such as structural, functional, and spatial information, amino acid conservation, physicochemical variation, residue mobility, and thermodynamic stability) indicates that this missense variant is expected to disrupt NPHP4 protein function with a positive predictive value of 80%. In summary, the available evidence is currently insufficient to determine the role of this variant in disease. Therefore, it has been classified as a Variant of Uncertain Significance.

Fulgent Genetics
Classification: Uncertain significance for Nephronophthisis 4; Senior-Loken syndrome 4. Last evaluated: 2024-04-22. Review status: criteria provided, single submitter. Criteria: ACMG Guidelines, 2015. Collection method: clinical testing. Allele origin: germline.